The following is an entry in ClinVar:

ClinVar aggregate classification (germline): Uncertain significance (1 of 4 stars; one submission).

Allele frequency attached by ClinVar (database versions not stated): TOPMed below 0.00001; ExAC 0.00001; gnomAD 0.00001; gnomAD exomes 0.00001.
gnomAD v4.1: 5 of 1,612,142 alleles (0.00031%); highest among the groups gnomAD compares: Admixed American, 0.005%; no homozygotes.

Submission:

Labcorp Genetics (formerly Invitae), Labcorp
Classification: Uncertain significance. Last evaluated: 2022-07-18. Review status: criteria provided, single submitter. Criteria: Invitae Variant Classification Sherloc (09022015). Collection method: clinical testing. Allele origin: germline.
Comment: In summary, the available evidence is currently insufficient to determine the role of this variant in disease. Therefore, it has been classified as a Variant of Uncertain Significance. Algorithms developed to predict the effect of missense changes on protein structure and function are either unavailable or do not agree on the potential impact of this missense change (SIFT: "Deleterious"; PolyPhen-2: "Not Available"; Align-GVGD: "Class C0"). This variant has not been reported in the literature in individuals affected with DNA2-related conditions. This variant is present in population databases (rs780420702, gnomAD 0.01%). This sequence change replaces proline, which is neutral and non-polar, with alanine, which is neutral and non-polar, at codon 793 of the DNA2 protein (p.Pro793Ala).

NM_001080449.3(DNA2):c.2377C>G (p.Pro793Ala)

Gene: DNA2 (DNA replication helicase/nuclease 2; minus strand). Cytogenetic location: 10q21.3.
Variant type: single nucleotide variant.
Coding change: c.2377C>G on transcript NM_001080449.3 (MANE Select); coding-DNA position 2377, C replaced by G.
Protein change: p.Pro793Ala; replaces proline 793 with alanine.
Molecular consequence: missense variant. On other transcripts: non-coding transcript variant (1).
Genome position (GRCh38, 1-based): chr10:68,422,722, G>C on the plus strand (C>G on the coding strand, the complement: DNA2 is on the minus strand). VCF-style: chr10-68422722-G-C. GRCh37 (hg19) VCF-style: chr10-70182479-G-C.
Other names: short protein forms P793A.
Identifiers: ClinVar variation 1961548 (VCV001961548.5), dbSNP rs780420702, ClinGen allele CA5524837.